The following is an entry in ClinVar:

NM_004130.4(GYG1):c.585C>G (p.Tyr195Ter)

Gene: GYG1 (glycogenin 1; plus strand). Cytogenetic location: 3q24.
Variant type: single nucleotide variant.
Coding change: c.585C>G on transcript NM_004130.4 (MANE Select); coding-DNA position 585, C replaced by G.
Protein change: p.Tyr195Ter; replaces tyrosine 195 with a stop codon.
Molecular consequence: nonsense.
Genome position (GRCh38, 1-based): chr3:149,009,379, C>G. VCF-style: chr3-149009379-C-G. GRCh37 (hg19) VCF-style: chr3-148727166-C-G.
Other names: c.585C>G, p.Tyr195Ter (NM_001184720.2, NM_001184721.2); short protein forms Y195*.
Identifiers: ClinVar variation 5006566 (VCV005006566.2).

ClinVar aggregate classification (germline): Likely pathogenic (1 of 4 stars; one submission).

Conditions:
Glycogen storage disease XV (GSD15). Also called: GLYCOGENIN DEFICIENCY; GSD XV. Identifiers: Orphanet 263297, MedGen C3150754, MONDO:0013291, OMIM 613507.
Polyglucosan body myopathy type 2. Identifiers: Orphanet 456369, MedGen C4015452, MONDO:0014526, OMIM 616199.

gnomAD v4.1: 1 of 1,611,830 alleles (0.000062%); highest among the groups gnomAD compares: African/African-American, 0.0013%; no homozygotes.

Submission:

Juno Genomics, Hangzhou Juno Genomics, Inc
Classification: Likely pathogenic for Glycogen storage disease XV; Polyglucosan body myopathy type 2. Review status: criteria provided, single submitter. Criteria: ACMG Guidelines, 2015. Collection method: clinical testing. Allele origin: germline.
Comment: Null variant in a gene where loss of function (LOF) is a known mechanism of disease.;Absent from controls (or at extremely low frequency if recessive) in Genome Aggregation Database.